The following is an entry in ClinVar:

NM_172107.4(KCNQ2):c.1302-11C>G

Gene: KCNQ2 (potassium voltage-gated channel subfamily Q member 2; minus strand). Cytogenetic location: 20q13.33.
Variant type: single nucleotide variant.
Coding change: c.1302-11C>G on transcript NM_172107.4 (MANE Select); 11 bases into the intron before coding-DNA position 1302, C replaced by G.
Molecular consequence: intron variant.
Genome position (GRCh38, 1-based): chr20:63,415,137, G>C on the plus strand (C>G on the coding strand, the complement: KCNQ2 is on the minus strand). VCF-style: chr20-63415137-G-C. GRCh37 (hg19) VCF-style: chr20-62046490-G-C.
Other names: c.1218-11C>G (NM_004518.6); c.1248-47C>G (NM_172108.5); c.1248-11C>G (NM_172106.3).
Identifiers: ClinVar variation 138021 (VCV000138021.9), dbSNP rs371007020, ClinGen allele CA291793.

ClinVar aggregate classification (germline): Benign. Review status: criteria provided, multiple submitters, no conflicts (2 of 4 stars). 2 submissions from 2 submitters: Benign (2). Last evaluated 2026-01-13.

Conditions:
Early-infantile DEE. Also called: Early infantile epileptic encephalopathy with suppression bursts; Ohtahara syndrome; Early infantile epileptic encephalopathy. Identifiers: Orphanet 1934, MedGen C0393706, MONDO:0800491.

Allele frequency attached by ClinVar (database versions not stated): TOPMed 0.00020.
gnomAD v4.1: 209 of 1,063,476 alleles (0.02%); highest among the groups gnomAD compares: Admixed American, 0.039%; no homozygotes.

Submissions (2):

Labcorp Genetics (formerly Invitae), Labcorp
Classification: Benign for Early-infantile DEE. Last evaluated: 2026-01-13. Review status: criteria provided, single submitter. Criteria: Invitae Variant Classification Sherloc (09022015). Collection method: clinical testing. Allele origin: germline.

GeneDx
Classification: Benign. Last evaluated: 2014-01-27. Review status: criteria provided, single submitter. Criteria: GeneDx Variant Classification (06012015). Collection method: clinical testing. Allele origin: germline. Affected: yes.
Comment: This variant is considered likely benign or benign based on one or more of the following criteria: it is a conservative change, it occurs at a poorly conserved position in the protein, it is predicted to be benign by multiple in silico algorithms, and/or has population frequency not consistent with disease.